The following is an entry in ClinVar:

NC_000005.9:g.(?_149737310)_(149743835_?)del

Gene: TCOF1 (treacle ribosome biogenesis factor 1; plus strand). Cytogenetic location: 5q32.
Variant type: Deletion.
Identifiers: ClinVar variation 3246422 (VCV003246422.1).

ClinVar aggregate classification (germline): Pathogenic (1 of 4 stars; one submission).

Conditions:
Treacher Collins syndrome 1 (TCS1). Also called: TCOF1-Related Treacher Collins Syndrome. Identifiers: Orphanet 861, MedGen CN315775, MONDO:0007944, OMIM 154500.

Submission:

Labcorp Genetics (formerly Invitae), Labcorp
Classification: Pathogenic for Treacher Collins syndrome 1. Last evaluated: 2023-10-05. Review status: criteria provided, single submitter. Criteria: Invitae Variant Classification Sherloc (09022015). Collection method: clinical testing. Allele origin: unknown.
Comment: This variant is a gross deletion of the genomic region encompassing exon(s) 1-3 of the TCOF1 gene, which includes the initiator codon. This deletion extends beyond the assayed region for this gene and therefore may encompass additional genes. It is expected to result in an absent or disrupted protein product. Loss-of-function variants in TCOF1 are known to be pathogenic (PMID: 8894686, 22317976). This variant has not been reported in the literature in individuals affected with TCOF1-related conditions. For these reasons, this variant has been classified as Pathogenic.

Literature cited by the submitters: PubMed 8894686; PubMed 22317976.